The following is an entry in ClinVar:

NM_001042681.2(RERE):c.3517G>T (p.Glu1173Ter)

Gene: RERE (arginine-glutamic acid dipeptide repeats; minus strand). Cytogenetic location: 1p36.23.
Variant type: single nucleotide variant.
Coding change: c.3517G>T on transcript NM_001042681.2 (MANE Select); coding-DNA position 3517, G replaced by T.
Protein change: p.Glu1173Ter; replaces glutamic acid 1173 with a stop codon.
Molecular consequence: nonsense.
Genome position (GRCh38, 1-based): chr1:8,359,865, C>A on the plus strand (G>T on the coding strand, the complement: RERE is on the minus strand). VCF-style: chr1-8359865-C-A. GRCh37 (hg19) VCF-style: chr1-8419925-C-A.
Other names: c.1855G>T, p.Glu619Ter (NM_001042682.2); c.3517G>T, p.Glu1173Ter (NM_012102.4); short protein forms E1173*, E619*.
Identifiers: ClinVar variation 3765854 (VCV003765854.1).

ClinVar aggregate classification (germline): Likely pathogenic (1 of 4 stars; one submission).

Conditions:
Neurodevelopmental disorder with or without anomalies of the brain, eye, or heart (NEDBEH). Identifiers: Orphanet 494344, MedGen C5567477, MONDO:0014857, OMIM 616975.

Submission:

Greenwood Genetic Center Diagnostic Laboratories, Greenwood Genetic Center
Classification: Likely pathogenic for Neurodevelopmental disorder with or without anomalies of the brain, eye, or heart. Last evaluated: 2024-07-19. Review status: criteria provided, single submitter. Criteria: ACMG Guidelines, 2015. Collection method: clinical testing. Allele origin: germline. Affected: yes.
Comment: PVS1, PM2